The following is an entry in ClinVar:

NM_004006.3(DMD):c.5833G>A (p.Val1945Met)

Gene: DMD (dystrophin; minus strand). Cytogenetic location: Xp21.1.
Variant type: single nucleotide variant.
Coding change: c.5833G>A on transcript NM_004006.3 (MANE Select); coding-DNA position 5833, G replaced by A.
Protein change: p.Val1945Met; replaces valine 1945 with methionine.
Molecular consequence: missense variant.
Genome position (GRCh38, 1-based): chrX:32,342,189, C>T on the plus strand (G>A on the coding strand, the complement: DMD is on the minus strand). VCF-style: chrX-32342189-C-T. GRCh37 (hg19) VCF-style: chrX-32360306-C-T.
Other names: c.5809G>A, p.Val1937Met (NM_000109.4); c.5821G>A, p.Val1941Met (NM_004009.3); c.5464G>A, p.Val1822Met (NM_004010.3); c.1810G>A, p.Val604Met (NM_004011.4); c.1801G>A, p.Val601Met (NM_004012.4); short protein forms V1822M, V1937M, V1941M, V1945M, V601M, V604M.
Identifiers: ClinVar variation 4800958 (VCV004800958.1).

ClinVar aggregate classification (germline): Uncertain significance (1 of 4 stars; one submission).

Conditions:
Duchenne muscular dystrophy (DMD). Also called: Duchenne Muscular Dystrophy (DMD); MUSCULAR DYSTROPHY, PSEUDOHYPERTROPHIC PROGRESSIVE, DUCHENNE TYPE. Identifiers: Orphanet 98896, MedGen C0013264, MONDO:0010679, OMIM 310200.

Submission:

Labcorp Genetics (formerly Invitae), Labcorp
Classification: Uncertain significance for Duchenne muscular dystrophy. Last evaluated: 2025-11-05. Review status: criteria provided, single submitter. Criteria: Invitae Variant Classification Sherloc (09022015). Collection method: clinical testing. Allele origin: germline.
Comment: This sequence change replaces valine, which is neutral and non-polar, with methionine, which is neutral and non-polar, at codon 1945 of the DMD protein (p.Val1945Met). This variant is not present in population databases (gnomAD no frequency). This variant has not been reported in the literature in individuals affected with DMD-related conditions. Invitae Evidence Modeling of protein sequence and biophysical properties (such as structural, functional, and spatial information, amino acid conservation, physicochemical variation, residue mobility, and thermodynamic stability) indicates that this missense variant is not expected to disrupt DMD protein function with a negative predictive value of 95%. In summary, the available evidence is currently insufficient to determine the role of this variant in disease. Therefore, it has been classified as a Variant of Uncertain Significance.